The following is an entry in ClinVar:

ClinVar aggregate classification (germline): Conflicting classifications of pathogenicity. Review status: criteria provided, conflicting classifications (1 of 4 stars). 6 submissions from 6 submitters: Uncertain significance (5); Likely benign (1). Last evaluated 2025-12-01.

Conditions:
Cardiovascular phenotype. Identifiers: MedGen CN230736.
Arrhythmogenic cardiomyopathy with wooly hair and keratoderma. Also called: Dilated cardiomyopathy with woolly hair and keratoderma; Arrhythmogenic cardiomyopathy with woolly hair and keratoderma; Carvajal syndrome; PALMOPLANTAR KERATODERMA WITH LEFT VENTRICULAR CARDIOMYOPATHY AND WOOLLY HAIR. Identifiers: Orphanet 65282, MedGen C1854063, MONDO:0011581, OMIM 605676.
Arrhythmogenic right ventricular dysplasia 8 (ARVD8). Also called: Arrhythmogenic Right Ventricular Dysplasia/Cardiomyopathy 8; ARRHYTHMOGENIC RIGHT VENTRICULAR DYSPLASIA, FAMILIAL, 8; ARRHYTHMOGENIC RIGHT VENTRICULAR CARDIOMYOPATHY 8. Identifiers: MedGen C1843896, MONDO:0011831, OMIM 607450.
Cardiomyopathy (CMYO). Also called: Cardiomyopathies. Identifiers: Orphanet 167848, MedGen C0878544, MONDO:0004994, HP:0001638. Inheritance: Various modes of inheritance.

Allele frequency attached by ClinVar (database versions not stated): TOPMed 0.00001.
gnomAD v4.1: 23 of 1,614,202 alleles (0.0014%); highest among the groups gnomAD compares: Non-Finnish European, 0.0019%; no homozygotes.

Submissions (6):

Labcorp Genetics (formerly Invitae), Labcorp
Classification: Likely benign for Arrhythmogenic cardiomyopathy with wooly hair and keratoderma; Arrhythmogenic right ventricular dysplasia 8. Last evaluated: 2025-12-01. Review status: criteria provided, single submitter. Criteria: Invitae Variant Classification Sherloc (09022015). Collection method: clinical testing. Allele origin: germline.

Dasa
Classification: Uncertain significance. Last evaluated: 2025-04-18. Review status: criteria provided, single submitter. Criteria: DASA Assertion Criteria. Collection method: clinical testing. Allele origin: germline.
Comment: NM_004415.4(DSP):c.7039A>C (p.Ile2347Leu) is a missense variant that results in the substitution of isoleucine with leucine. This variant is rare in population databases. The currently available literature and clinical evidence are not sufficient to establish a definitive association between this variant and the reported condition. Therefore, this variant is classified as a variant of uncertain significance.

Ambry Genetics
Classification: Uncertain significance for Cardiovascular phenotype. Last evaluated: 2024-05-31. Review status: criteria provided, single submitter. Criteria: Ambry Variant Classification Scheme 2023. Collection method: clinical testing. Allele origin: germline.
Comment: The p.I2347L variant (also known as c.7039A>C), located in coding exon 24 of the DSP gene, results from an A to C substitution at nucleotide position 7039. The isoleucine at codon 2347 is replaced by leucine, an amino acid with highly similar properties. This amino acid position is well conserved in available vertebrate species. In addition, this alteration is predicted to be tolerated by in silico analysis. Based on the available evidence, the clinical significance of this variant remains unclear.

All of Us Research Program, National Institutes of Health
Classification: Uncertain significance for Arrhythmogenic cardiomyopathy with wooly hair and keratoderma. Last evaluated: 2023-12-13. Review status: criteria provided, single submitter. Criteria: ACMG Guidelines, 2015. Collection method: clinical testing. Allele origin: germline. Inheritance: Autosomal dominant inheritance. Observed: 2 variant alleles, 2 heterozygotes.
Comment: This missense variant replaces isoleucine with leucine at codon 2347 of the DSP protein. Computational prediction suggests that this variant may not impact protein structure and function (internally defined REVEL score threshold <= 0.5, PMID: 27666373). To our knowledge, functional studies have not been reported for this variant. This variant has not been reported in individuals affected with cardiovascular disorders in the literature. This variant has been identified in 3/251408 chromosomes in the general population by the Genome Aggregation Database (gnomAD). The available evidence is insufficient to determine the role of this variant in disease conclusively. Therefore, this variant is classified as a Variant of Uncertain Significance.

This study involves interpretation of variants in research participants for the purpose of population health screening. Participant phenotype was not available at the time of variant classification. Additional details can be found in publication PMID: 35346344, PMCID: PMC8962531

Color Diagnostics, LLC DBA Color Health
Classification: Uncertain significance for Cardiomyopathy. Last evaluated: 2023-08-09. Review status: criteria provided, single submitter. Criteria: ACMG Guidelines, 2015. Collection method: clinical testing. Allele origin: germline.
Comment: This missense variant replaces isoleucine with leucine at codon 2347 of the DSP protein. Computational prediction suggests that this variant may not impact protein structure and function. To our knowledge, functional studies have not been reported for this variant. This variant has not been reported in individuals affected with cardiovascular disorders in the literature. This variant has been identified in 3/251408 chromosomes in the general population by the Genome Aggregation Database (gnomAD). The available evidence is insufficient to determine the role of this variant in disease conclusively. Therefore, this variant is classified as a Variant of Uncertain Significance.

Human Genome Sequencing Center Clinical Lab, Baylor College of Medicine
Classification: Uncertain significance for Arrhythmogenic right ventricular dysplasia, type 8. Review status: criteria provided, single submitter. Criteria: ACMG Guidelines, 2015. Collection method: clinical testing. Allele origin: germline.

NM_004415.4(DSP):c.7039A>C (p.Ile2347Leu)

Gene: DSP (desmoplakin; plus strand). Cytogenetic location: 6p24.3.
Variant type: single nucleotide variant.
Coding change: c.7039A>C on transcript NM_004415.4 (MANE Select); coding-DNA position 7039, A replaced by C.
Protein change: p.Ile2347Leu; replaces isoleucine 2347 with leucine.
Molecular consequence: missense variant.
Genome position (GRCh38, 1-based): chr6:7,584,301, A>C. VCF-style: chr6-7584301-A-C. GRCh37 (hg19) VCF-style: chr6-7584534-A-C.
Other names: c.5242A>C, p.Ile1748Leu (NM_001008844.3); c.5710A>C, p.Ile1904Leu (NM_001319034.2); c.7039A>C (LRG_423t1); short protein forms I2347L, I1748L, I1904L.
Identifiers: ClinVar variation 572888 (VCV000572888.17), dbSNP rs768837509, ClinGen allele CA049007.